The following is an entry in ClinVar:

ClinVar aggregate classification (germline): Conflicting classifications of pathogenicity. Review status: criteria provided, conflicting classifications (1 of 4 stars). 3 submissions from 3 submitters: Likely pathogenic (1); Uncertain significance (2). Last evaluated 2025-01-31.

Conditions:
Hearing impairment. Also called: Impaired Hearing. Identifiers: MedGen C1384666, MONDO:0005365, HP:0000365.

Allele frequency attached by ClinVar (database versions not stated): gnomAD exomes below 0.00001; TOPMed below 0.00001.
gnomAD v4.1: 3 of 1,551,684 alleles (0.00019%); highest among the groups gnomAD compares: Non-Finnish European, 0.00026%; no homozygotes.

Submissions (3):

Women's Health and Genetics/Laboratory Corporation of America, LabCorp
Classification: Uncertain significance. Last evaluated: 2025-01-31. Review status: criteria provided, single submitter. Criteria: LabCorp Variant Classification Summary - May 2015. Collection method: clinical testing. Allele origin: germline.
Comment: Variant summary: LOXHD1 c.1904T>C (p.Leu635Pro) results in a non-conservative amino acid change in the encoded protein sequence. Five of five in-silico tools predict a damaging effect of the variant on protein function. The frequency data for this variant in gnomAD is considered unreliable, as metrics indicate poor data quality at this position. c.1904T>C has been reported in the literature in individuals affected with Nonsyndromic Hearing Loss And Deafness, Type 77 (Wesdorp_2018, Tropitzsch_2023). These data indicate that the variant may be associated with disease. To our knowledge, no experimental evidence demonstrating an impact on protein function has been reported. The following publications have been ascertained in the context of this evaluation (PMID: 29676012, 37438890). ClinVar contains an entry for this variant (Variation ID: 1064983). Based on the evidence outlined above, the variant was classified as VUS-possibly pathogenic.

Blueprint Genetics
Classification: Uncertain significance. Last evaluated: 2024-11-07. Review status: criteria provided, single submitter. Criteria: ACMG Guidelines, 2015. Collection method: clinical testing. Allele origin: germline.

Department of Otolaryngology – Head & Neck Surgery, Cochlear Implant Center
Classification: Likely pathogenic for Hearing impairment. Last evaluated: 2021-04-12. Review status: criteria provided, single submitter. Criteria: ClinGen HL ACMG Specifications v1. Collection method: clinical testing. Allele origin: germline. Affected: yes.
Comment: PM2_Supporting, PM5_Moderate, PP1_Moderate, PP3_Supporting

Literature cited by the submitters: PubMed 29676012 (cited by Women's Health and Genetics/Laboratory Corporation of America, LabCorp); PubMed 37438890 (cited by Women's Health and Genetics/Laboratory Corporation of America, LabCorp).

NM_001384474.1(LOXHD1):c.1904T>C (p.Leu635Pro)

Gene: LOXHD1 (lipoxygenase homology PLAT domains 1; minus strand). Cytogenetic location: 18q21.1.
Variant type: single nucleotide variant.
Coding change: c.1904T>C on transcript NM_001384474.1 (MANE Select); coding-DNA position 1904, T replaced by C.
Protein change: p.Leu635Pro; replaces leucine 635 with proline.
Molecular consequence: missense variant.
Genome position (GRCh38, 1-based): chr18:46,577,773, A>G on the plus strand (T>C on the coding strand, the complement: LOXHD1 is on the minus strand). VCF-style: chr18-46577773-A-G. GRCh37 (hg19) VCF-style: chr18-44157736-A-G.
Other names: c.1904T>C, p.Leu635Pro (NM_144612.7); short protein forms L635P.
Identifiers: ClinVar variation 1064983 (VCV001064983.6), dbSNP rs1051629865, ClinGen allele CA299800267.